The following is an entry in ClinVar:

ClinVar aggregate classification (germline): Conflicting classifications of pathogenicity. Review status: criteria provided, conflicting classifications (1 of 4 stars). 2 submissions from 2 submitters: Uncertain significance (1); Likely benign (1). Last evaluated 2026-08-21.

Conditions:
MAP1B-related disorder. Also called: MAP1B-related condition.

gnomAD v4.1: 490 of 1,614,228 alleles (0.03%); highest among the groups gnomAD compares: Non-Finnish European, 0.04%; no homozygotes.

Submissions (2):

PreventionGenetics, part of Exact Sciences
Classification: Uncertain significance for MAP1B-related condition. Last evaluated: 2026-08-21. Review status: criteria provided, single submitter. Criteria: ACMG Guidelines, 2015. Collection method: clinical testing. Allele origin: germline.
Comment: The MAP1B c.3734C>A variant is predicted to result in the amino acid substitution p.Ala1245Asp. To our knowledge, this variant has not been reported in the literature. This variant is reported in 0.023% of alleles in individuals of European (Non-Finnish) descent in gnomAD, which may be too frequent to be a primary cause of disease. Although we suspect that this variant may be benign, at this time, the clinical significance of this variant is uncertain due to the absence of conclusive functional and genetic evidence.

CeGaT Center for Human Genetics Tuebingen
Classification: Likely benign. Last evaluated: 2026-08-01. Review status: criteria provided, single submitter. Criteria: CeGaT Center For Human Genetics Tuebingen Variant Classification Criteria Version 2. Collection method: clinical testing. Allele origin: germline. Affected: yes. Observed: 2 variant alleles.
Comment: MAP1B: BP4

NM_005909.5(MAP1B):c.3734C>A (p.Ala1245Asp)

Gene: MAP1B (microtubule associated protein 1B; plus strand). Cytogenetic location: 5q13.2.
Variant type: single nucleotide variant.
Coding change: c.3734C>A on transcript NM_005909.5 (MANE Select); coding-DNA position 3734, C replaced by A.
Protein change: p.Ala1245Asp; replaces alanine 1245 with aspartic acid.
Molecular consequence: missense variant.
Genome position (GRCh38, 1-based): chr5:72,197,089, C>A. VCF-style: chr5-72197089-C-A. GRCh37 (hg19) VCF-style: chr5-71492916-C-A.
Other names: c.3356C>A, p.Ala1119Asp (NM_001324255.2); c.3734C>A (NM_005909.4); short protein forms A1119D, A1245D.
Identifiers: ClinVar variation 4281064 (VCV004281064.8).